The following is an entry in ClinVar:

ClinVar aggregate classification (germline): Uncertain significance (1 of 4 stars; one submission).

Conditions:
Charcot-Marie-Tooth disease axonal type 2S. Also called: CHARCOT-MARIE-TOOTH NEUROPATHY, TYPE 2S; CHARCOT-MARIE-TOOTH DISEASE, AXONAL, AUTOSOMAL RECESSIVE, TYPE 2S. Identifiers: Orphanet 443073, MedGen C4015349, MONDO:0014511, OMIM 616155.
Autosomal recessive distal spinal muscular atrophy 1. Also called: NEURONOPATHY, DISTAL HEREDITARY MOTOR, HARDING TYPE VI; NEUROPATHY, DISTAL HEREDITARY MOTOR, AUTOSOMAL RECESSIVE 1; NEURONOPATHY, SEVERE INFANTILE AXONAL, WITH RESPIRATORY FAILURE; SEVERE INFANTILE AXONAL NEUROPATHY WITH RESPIRATORY FAILURE; SPINAL MUSCULAR ATROPHY, DIAPHRAGMATIC; Spinal muscular atrophy with respiratory distress 1. Identifiers: Orphanet 98920, MedGen C1858517, MONDO:0011436, OMIM 604320.

Submission:

Labcorp Genetics (formerly Invitae), Labcorp
Classification: Uncertain significance for Autosomal recessive distal spinal muscular atrophy 1; Charcot-Marie-Tooth disease axonal type 2S. Last evaluated: 2021-08-16. Review status: criteria provided, single submitter. Criteria: Invitae Variant Classification Sherloc (09022015). Collection method: clinical testing. Allele origin: germline.
Comment: This variant is a gross deletion of the genomic region encompassing exon(s) 3-4 of the IGHMBP2 gene. This variant would be expected to be in-frame, preserving the integrity of the reading frame. This variant has not been reported in the literature in individuals affected with IGHMBP2-related conditions. In summary, the available evidence is currently insufficient to determine the role of this variant in disease. Therefore, it has been classified as a Variant of Uncertain Significance.

NC_000011.10:g.(?_68908125)_(68908651_?)del

Gene: IGHMBP2 (immunoglobulin mu DNA binding protein 2; plus strand). Cytogenetic location: 11q13.3.
Variant type: Deletion.
Identifiers: ClinVar variation 583815 (VCV000583815.7).